The following is an entry in ClinVar:

ClinVar aggregate classification (germline): Uncertain significance (1 of 4 stars; one submission).

gnomAD v4.1: 9 of 706,922 alleles (0.0013%); highest among the groups gnomAD compares: Middle Eastern, 0.06%; no homozygotes.

Submission:

Labcorp Genetics (formerly Invitae), Labcorp
Classification: Uncertain significance. Last evaluated: 2025-08-21. Review status: criteria provided, single submitter. Criteria: Invitae Variant Classification Sherloc (09022015). Collection method: clinical testing. Allele origin: germline.
Comment: This sequence change replaces threonine, which is neutral and polar, with alanine, which is neutral and non-polar, at codon 893 of the AP3D1 protein (p.Thr893Ala). This variant is present in population databases (no rsID available, gnomAD 0.08%). This variant has not been reported in the literature in individuals affected with AP3D1-related conditions. ClinVar contains an entry for this variant (Variation ID: 3716545). An algorithm developed to predict the effect of missense changes on protein structure and function (PolyPhen-2) suggests that this variant is likely to be tolerated. In summary, the available evidence is currently insufficient to determine the role of this variant in disease. Therefore, it has been classified as a Variant of Uncertain Significance.

NM_001261826.3(AP3D1):c.2677A>G (p.Thr893Ala)

Gene: AP3D1 (adaptor related protein complex 3 subunit delta 1; minus strand). Cytogenetic location: 19p13.3.
Variant type: single nucleotide variant.
Coding change: c.2677A>G on transcript NM_001261826.3 (MANE Select); coding-DNA position 2677, A replaced by G.
Protein change: p.Thr893Ala; replaces threonine 893 with alanine.
Molecular consequence: missense variant. On other transcripts: intron variant (1).
Genome position (GRCh38, 1-based): chr19:2,113,338, T>C on the plus strand (A>G on the coding strand, the complement: AP3D1 is on the minus strand). VCF-style: chr19-2113338-T-C. GRCh37 (hg19) VCF-style: chr19-2113337-T-C.
Other names: c.2677A>G, p.Thr893Ala (NM_001374799.1); c.2601+787A>G (NM_003938.8); short protein forms T893A.
Identifiers: ClinVar variation 3716545 (VCV003716545.2).
Genomic context (GRCh38, chr19:2,113,338, plus strand): 5'-GCCAGGTATGACCTCTGCAGACACCGAGGCTGGCACTGGCCAGCTGCCAGTCTCTTACCG[T>C]GGATGGAACGGGGGCGGGGGCGGGGGCGGGGGCAGGCGGTGGGGTGGTAGACAGCCAGAA-3'
Protein context (NP_001248755.1, residues 883-903): PAPAPAPVPS[Thr893Ala]GELSVNTVTT